The following is an entry in ClinVar:

NM_032608.7(MYO18B):c.7261A>G (p.Ser2421Gly)

Gene: MYO18B (myosin XVIIIB; plus strand). Cytogenetic location: 22q12.1.
Variant type: single nucleotide variant.
Coding change: c.7261A>G on transcript NM_032608.7 (MANE Select); coding-DNA position 7261, A replaced by G.
Protein change: p.Ser2421Gly; replaces serine 2421 with glycine.
Molecular consequence: missense variant.
Genome position (GRCh38, 1-based): chr22:26,027,235, A>G. VCF-style: chr22-26027235-A-G. GRCh37 (hg19) VCF-style: chr22-26423201-A-G.
Other names: c.7264A>G, p.Ser2422Gly (NM_001318245.2); short protein forms S2421G, S2422G.
Identifiers: ClinVar variation 1375907 (VCV001375907.6), dbSNP rs1936321525, ClinGen allele CA411012058.

ClinVar aggregate classification (germline): Uncertain significance (1 of 4 stars; one submission).

Allele frequency attached by ClinVar (database versions not stated): TOPMed below 0.00001.

Submission:

Labcorp Genetics (formerly Invitae), Labcorp
Classification: Uncertain significance. Last evaluated: 2022-07-06. Review status: criteria provided, single submitter. Criteria: Invitae Variant Classification Sherloc (09022015). Collection method: clinical testing. Allele origin: germline.
Comment: This variant has not been reported in the literature in individuals affected with MYO18B-related conditions. In summary, the available evidence is currently insufficient to determine the role of this variant in disease. Therefore, it has been classified as a Variant of Uncertain Significance. Algorithms developed to predict the effect of missense changes on protein structure and function are either unavailable or do not agree on the potential impact of this missense change (SIFT: "Not Available"; PolyPhen-2: "Benign"; Align-GVGD: "Not Available"). ClinVar contains an entry for this variant (Variation ID: 1375907). This variant is not present in population databases (gnomAD no frequency). This sequence change replaces serine, which is neutral and polar, with glycine, which is neutral and non-polar, at codon 2421 of the MYO18B protein (p.Ser2421Gly).